The following is an entry in ClinVar:

ClinVar aggregate classification (germline): Uncertain significance. Review status: criteria provided, multiple submitters, no conflicts (2 of 4 stars). 2 submissions from 2 submitters: Uncertain significance (2). Last evaluated 2023-02-22.

Conditions:
Autosomal recessive spastic paraplegia type 78. Identifiers: Orphanet 513436, MedGen C5567893, MONDO:0014975, OMIM 617225.
Kufor-Rakeb syndrome (KRS). Also called: PARKINSON DISEASE 9, AUTOSOMAL RECESSIVE, JUVENILE-ONSET. Identifiers: Orphanet 306674, Orphanet 314632, MedGen C1847640, MONDO:0011706, OMIM 606693.

Allele frequency attached by ClinVar (database versions not stated): ExAC 0.00001; gnomAD exomes 0.00002; gnomAD 0.00003 and 0.00004; TOPMed 0.00003; ESP Exome Variant Server 0.00008.
gnomAD v4.1: 36 of 1,611,388 alleles (0.0022%); highest among the groups gnomAD compares: Non-Finnish European, 0.0029%; no homozygotes.

Submissions (2):

Mayo Clinic Laboratories, Mayo Clinic
Classification: Uncertain significance. Last evaluated: 2023-02-22. Review status: criteria provided, single submitter. Criteria: ACMG Guidelines, 2015. Collection method: clinical testing. Allele origin: germline. Observed: 1 variant allele.
Comment: BP4

Labcorp Genetics (formerly Invitae), Labcorp
Classification: Uncertain significance for Kufor-Rakeb syndrome; Autosomal recessive spastic paraplegia type 78. Last evaluated: 2022-01-24. Review status: criteria provided, single submitter. Criteria: Invitae Variant Classification Sherloc (09022015). Collection method: clinical testing. Allele origin: germline.
Comment: This sequence change replaces valine, which is neutral and non-polar, with methionine, which is neutral and non-polar, at codon 9 of the ATP13A2 protein (p.Val9Met). This variant is present in population databases (rs143579092, gnomAD 0.006%). This variant has not been reported in the literature in individuals affected with ATP13A2-related conditions. Advanced modeling of protein sequence and biophysical properties (such as structural, functional, and spatial information, amino acid conservation, physicochemical variation, residue mobility, and thermodynamic stability) performed at Invitae indicates that this missense variant is not expected to disrupt ATP13A2 protein function. In summary, the available evidence is currently insufficient to determine the role of this variant in disease. Therefore, it has been classified as a Variant of Uncertain Significance.

NM_022089.4(ATP13A2):c.25G>A (p.Val9Met)

Gene: ATP13A2 (ATPase cation transporting 13A2; minus strand). Cytogenetic location: 1p36.13.
Variant type: single nucleotide variant.
Coding change: c.25G>A on transcript NM_022089.4 (MANE Select); coding-DNA position 25, G replaced by A.
Protein change: p.Val9Met; replaces valine 9 with methionine.
Molecular consequence: missense variant.
Genome position (GRCh38, 1-based): chr1:17,005,764, C>T on the plus strand (G>A on the coding strand, the complement: ATP13A2 is on the minus strand). VCF-style: chr1-17005764-C-T. GRCh37 (hg19) VCF-style: chr1-17332259-C-T.
Other names: p.Val9Met; c.25G>A, p.Val9Met (NM_001141973.3, NM_001141974.3); short protein forms V9M.
Identifiers: ClinVar variation 1518330 (VCV001518330.4), dbSNP rs143579092, ClinGen allele CA637792.